The following is an entry in ClinVar:

NC_000002.12:g.76713923_76721975del

Variant type: Deletion.
Genome position: GRCh38: chr2:76,713,923-76,721,975. GRCh37 (hg19): chr2:76,941,049-76,949,101.
Identifiers: ClinVar variation 156792 (VCV000156792.3), ClinGen allele CA211993.

ClinVar aggregate classification (germline): not provided (0 of 4 stars; one submission).

Conditions:
Large for gestational age. Identifiers: MedGen C1848395, HP:0001520.

Submission:

Institute of Molecular and Cell Biology, University of Tartu
No classification provided. Condition: Large for gestational age. Review status: no classification provided. Collection method: case-control. Allele origin: unknown. Affected: yes. Study: Kasak2014.
Comment: The study aimed to determine the contribution of copy number variants in the genetic etiology of normal and complicated pregnancies. The samples represented (i) maternal blood DNA drawn from healthy pregnant women during 1st or 2nd trimester and (ii) maternal and paternal blood DNA drawn at term pregnancy cases representing normal and complicated gestations (severe preeclampsia, PE; gestational diabetes, GD; small-for-gestational age newborn, SGA; large-for-gestational age newborn, LGA). We performed CNV calling based on genome-wide genotyping dataset (Illumina HumanOmniExpress-24-v1 BeadChip) by applying three algorithms, QuantiSNP, GADA (Genome Alteration Detection Algorithm) and CNstream in parallel. The acquired CNV calls were merged with HD-CNV (Hotspot Detector for Copy Number Variants) program and only the CNVs predicted by at least two programs, were considered in subsequent analysis.

Literature cited by the submitters: PubMed 25666259.